The following is an entry in ClinVar:

ClinVar aggregate classification (germline): Uncertain significance (0 of 4 stars; one submission).

Conditions:
NEK1-related disorder. Also called: NEK1-related condition.

Allele frequency attached by ClinVar (database versions not stated): gnomAD exomes below 0.00001.
gnomAD v4.1: 1 of 1,613,696 alleles (0.000062%); highest among the groups gnomAD compares: Non-Finnish European, 0.000085%; no homozygotes.

Submission:

PreventionGenetics, part of Exact Sciences
Classification: Uncertain significance for NEK1-related condition. Last evaluated: 2024-01-17. Review status: no assertion criteria provided. Collection method: clinical testing. Allele origin: germline.
Comment: The NEK1 c.745G>C variant is predicted to result in the amino acid substitution p.Val249Leu. To our knowledge, this variant has not been reported in the literature or in a large population database, indicating this variant is rare. At this time, the clinical significance of this variant is uncertain due to the absence of conclusive functional and genetic evidence.

NM_001199397.3(NEK1):c.745G>C (p.Val249Leu)

Gene: NEK1 (NIMA related kinase 1; minus strand). Cytogenetic location: 4q33.
Variant type: single nucleotide variant.
Coding change: c.745G>C on transcript NM_001199397.3 (MANE Select); coding-DNA position 745, G replaced by C.
Protein change: p.Val249Leu; replaces valine 249 with leucine.
Molecular consequence: missense variant. On other transcripts: non-coding transcript variant (2).
Genome position (GRCh38, 1-based): chr4:169,585,411, C>G on the plus strand (G>C on the coding strand, the complement: NEK1 is on the minus strand). VCF-style: chr4-169585411-C-G. GRCh37 (hg19) VCF-style: chr4-170506562-C-G.
Other names: c.745G>C, p.Val249Leu (NM_001199398.3, NM_001199399.3, NM_001199400.3 and 7 more transcripts); short protein forms V249L.
Identifiers: ClinVar variation 3056448 (VCV003056448.2), dbSNP rs1201219295, ClinGen allele CA358738117.